The following is an entry in ClinVar:

ClinVar aggregate classification (germline): Pathogenic (1 of 4 stars; one submission).

Conditions:
Familial dysautonomia. Also called: HSAN III; FD. Identifiers: Orphanet 1764, MedGen C0013364, MONDO:0009131, OMIM 223900. Disease mechanism: loss of function.

Submission:

Myriad Genetics, Inc.
Classification: Pathogenic for Familial dysautonomia. Last evaluated: 2025-07-07. Review status: criteria provided, single submitter. Criteria: Myriad Autosomal Dominant, Autosomal Recessive and X-Linked Classification Criteria (2023). Collection method: clinical testing. Allele origin: unknown.
Comment: NM_003640.3(ELP1):c.3470_3473dupTACC(H1159Tfs*11) is expected to be pathogenic in the context of familial dysautonomia. This variant is predicted to lead to an abnormal or absent protein product due to the creation of a premature termination codon in ELP1, a gene where loss-of-function variants are known to be pathogenic. Please note: this variant was assessed in the context of healthy population screening.

NM_003640.5(ELP1):c.3470_3473dup (p.His1159fs)

Gene: ELP1 (elongator acetyltransferase complex subunit 1; minus strand). Cytogenetic location: 9q31.3.
Variant type: Duplication.
Coding change: c.3470_3473dup on transcript NM_003640.5 (MANE Select); coding-DNA positions 3470 to 3473, 4 bases duplicated (TACC; older notation c.3470_3473dupTACC).
Protein change: p.His1159fs; shifts the reading frame from histidine 1159.
Molecular consequence: frameshift variant.
Genome position (GRCh38, 1-based): chr9:108,879,545-108,879,548, GGTA duplicated on the plus strand (TACC on the coding strand, the reverse complement: ELP1 is on the minus strand). VCF-style (leftmost placement, unchanged base first): chr9-108879544-G-GGGTA. GRCh37 (hg19) VCF-style: chr9-111641824-G-GGGTA.
Other names: c.3128_3131dup, p.His1045fs (NM_001318360.2); c.2423_2426dup, p.His810fs (NM_001330749.2); short protein forms H1045fs, H1159fs, H810fs.
Identifiers: ClinVar variation 5014698 (VCV005014698.1).